The following is an entry in ClinVar:

ClinVar aggregate classification (germline): Uncertain significance (1 of 4 stars; one submission).

Conditions:
KSR2-related disorder. Also called: KSR2-related condition.

Submission:

PreventionGenetics, part of Exact Sciences
Classification: Uncertain significance for KSR2-related condition. Last evaluated: 2026-09-16. Review status: criteria provided, single submitter. Criteria: ACMG Guidelines, 2015. Collection method: clinical testing. Allele origin: germline.
Comment: The KSR2 c.2452G>A variant is predicted to result in the amino acid substitution p.Asp818Asn. To our knowledge, this variant has not been reported in the literature or in a large population database (gnomAD), indicating this variant is rare. At this time, the clinical significance of this variant is uncertain due to the absence of conclusive functional and genetic evidence.

NM_173598.6(KSR2):c.2539G>A (p.Asp847Asn)

Gene: KSR2 (kinase suppressor of ras 2; minus strand). Cytogenetic location: 12q24.22.
Variant type: single nucleotide variant.
Coding change: c.2539G>A on transcript NM_173598.6 (MANE Select); coding-DNA position 2539, G replaced by A.
Protein change: p.Asp847Asn; replaces aspartic acid 847 with asparagine.
Molecular consequence: missense variant.
Genome position (GRCh38, 1-based): chr12:117,476,507, C>T on the plus strand (G>A on the coding strand, the complement: KSR2 is on the minus strand). VCF-style: chr12-117476507-C-T. GRCh37 (hg19) VCF-style: chr12-117914312-C-T.
Other names: short protein forms D847N.
Identifiers: ClinVar variation 4992698 (VCV004992698.1).
Genomic context (GRCh38, chr12:117,476,507, plus strand): 5'-GGGCAGGGCCCACTTACCCAAGGGCAAAGACGTCAGAGTGCTTGGAGAAGGGGAGCTTAT[C>T]CTCCTCTGTGTCGGGGGACAGCTGGCGGATGATCTCTGGTGCCAGGTGGCATAGCCAGCC-3'
Protein context (NP_775869.4, residues 837-857): IRQLSPDTEE[Asp847Asn]KLPFSKHSDV